The following is an entry in ClinVar:

ClinVar aggregate classification (germline): Uncertain significance (1 of 4 stars; one submission).

gnomAD v4.1: 1 of 1,593,890 alleles (0.000063%); highest among the groups gnomAD compares: Non-Finnish European, 0.000086%; no homozygotes.

Submission:

Ambry Genetics
Classification: Uncertain significance. Last evaluated: 2025-07-31. Review status: criteria provided, single submitter. Criteria: Ambry Variant Classification Scheme 2023. Collection method: clinical testing. Allele origin: germline.
Comment: The p.G133V variant (also known as c.398G>T), located in coding exon 4 of the RAD51B gene, results from a G to T substitution at nucleotide position 398. The glycine at codon 133 is replaced by valine, an amino acid with dissimilar properties. This amino acid position is conserved. In addition, this alteration is predicted to be deleterious by in silico analysis. Based on the available evidence, the clinical significance of this variant remains unclear.

NM_133510.4(RAD51B):c.398G>T (p.Gly133Val)

Gene: RAD51B (RAD51 paralog B; plus strand). Cytogenetic location: 14q24.1.
Variant type: single nucleotide variant.
Coding change: c.398G>T on transcript NM_133510.4 (MANE Select); coding-DNA position 398, G replaced by T.
Protein change: p.Gly133Val; replaces glycine 133 with valine.
Molecular consequence: missense variant.
Genome position (GRCh38, 1-based): chr14:67,865,085, G>T. VCF-style: chr14-67865085-G-T. GRCh37 (hg19) VCF-style: chr14-68331802-G-T.
Other names: c.398G>T, p.Gly133Val (NM_001321809.2, NM_001321810.2, NM_001321812.1 and 6 more transcripts); c.284G>T, p.Gly95Val (NM_001321815.1); c.41G>T, p.Gly14Val (NM_001321817.2); short protein forms G95V, G133V, G14V.
Identifiers: ClinVar variation 4149835 (VCV004149835.1).
Genomic context (GRCh38, chr14:67,865,085, plus strand): 5'-GAAAAACTCAGTTTTGTATAATGATGAGCATTTTGGCTACATTACCCACCAACATGGGAG[G>T]ATTAGAAGGAGCTGTGGTGTACATTGACACAGAGTCTGCATTTAGTGCTGAAAGGTATGA-3'
Protein context (NP_598194.1, residues 123-143): ILATLPTNMG[Gly133Val]LEGAVVYIDT